The following is an entry in ClinVar:

ClinVar aggregate classification (germline): Uncertain significance (1 of 4 stars; one submission).

Conditions:
Cardiomyopathy (CMYO). Also called: Cardiomyopathies. Identifiers: Orphanet 167848, MedGen C0878544, MONDO:0004994, HP:0001638. Inheritance: Various modes of inheritance.

gnomAD v4.1: 3 of 1,612,058 alleles (0.00019%); highest among the groups gnomAD compares: Non-Finnish European, 0.00025%; no homozygotes.

Submission:

Color Diagnostics, LLC DBA Color Health
Classification: Uncertain significance for Cardiomyopathy. Last evaluated: 2024-09-23. Review status: criteria provided, single submitter. Criteria: ACMG Guidelines, 2015. Collection method: clinical testing. Allele origin: germline.
Comment: This missense variant replaces leucine with valine at codon 4677 of the RYR2 protein. Computational prediction is inconclusive regarding the impact of this variant on protein structure and function (internally defined REVEL score threshold 0.5 < inconclusive < 0.7, PMID: 27666373). To our knowledge, functional studies have not been reported for this variant. This variant has not been reported in individuals affected with RYR2-related disorders in the literature. This variant has not been identified in the general population by the Genome Aggregation Database (gnomAD). The available evidence is insufficient to determine the role of this variant in disease conclusively. Therefore, this variant is classified as a Variant of Uncertain Significance.

NM_001035.3(RYR2):c.14029C>G (p.Leu4677Val)

Gene: RYR2 (ryanodine receptor 2; plus strand). Cytogenetic location: 1q43.
Variant type: single nucleotide variant.
Coding change: c.14029C>G on transcript NM_001035.3 (MANE Select); coding-DNA position 14029, C replaced by G.
Protein change: p.Leu4677Val; replaces leucine 4677 with valine.
Molecular consequence: missense variant.
Genome position (GRCh38, 1-based): chr1:237,798,109, C>G. VCF-style: chr1-237798109-C-G. GRCh37 (hg19) VCF-style: chr1-237961409-C-G.
Other names: short protein forms L4677V.
Identifiers: ClinVar variation 3894062 (VCV003894062.1).
Genomic context (GRCh38, chr1:237,798,109, plus strand): 5'-TATGGAGAGTTCTACGGCCGAGACAGAATCAGTGAATTACTTGGCATGGACAAGGCAGCT[C>G]TGGACTTCAGTGATGCCAGAGAAAAGAAGAAGCCAAAGAAAGACAGCTCCTTATCAGCTG-3'
Protein context (NP_001026.2, residues 4667-4687): SELLGMDKAA[Leu4677Val]DFSDAREKKK